The following is an entry in ClinVar:

ClinVar aggregate classification (germline): Uncertain significance (1 of 4 stars; one submission).

Conditions:
Familial adenomatous polyposis 1 (FAP1). Also called: FAMILIAL ADENOMATOUS POLYPOSIS 1, ATTENUATED; POLYPOSIS, ADENOMATOUS INTESTINAL. Identifiers: MedGen C2713442, MONDO:0021056, OMIM 175100. Disease mechanism: loss of function.

Allele frequency attached by ClinVar (database versions not stated): TOPMed below 0.00001; gnomAD 0.00001.
gnomAD v4.1: 1 of 1,323,152 alleles (0.000076%); highest among the groups gnomAD compares: Non-Finnish European, 0.0001%; no homozygotes.

Submission:

Labcorp Genetics (formerly Invitae), Labcorp
Classification: Uncertain significance for Familial adenomatous polyposis 1. Last evaluated: 2026-01-27. Review status: criteria provided, single submitter. Criteria: Invitae Variant Classification Sherloc (09022015). Collection method: clinical testing. Allele origin: germline.
Comment: This variant occurs in a non-coding region of the APC gene. It does not change the encoded amino acid sequence of the APC protein. This variant is not present in population databases (gnomAD no frequency). This variant has not been reported in the literature in individuals affected with APC-related conditions. Experimental studies and prediction algorithms are not available or were not evaluated, and the functional significance of this variant is currently unknown. In summary, the available evidence is currently insufficient to determine the role of this variant in disease. Therefore, it has been classified as a Variant of Uncertain Significance.

NM_001127511.3(APC):c.-87G>A

Gene: APC (APC regulator of Wnt signaling pathway; plus strand). Cytogenetic location: 5q22.2.
Variant type: single nucleotide variant.
Coding change: c.-87G>A on transcript NM_001127511.3; 87 bases upstream of the start codon, G replaced by A.
Molecular consequence: 5 prime UTR variant. On other transcripts: non-coding transcript variant (2).
Genome position (GRCh38, 1-based): chr5:112,707,631, G>A. VCF-style: chr5-112707631-G-A. GRCh37 (hg19) VCF-style: chr5-112043328-G-A.
Other names: c.-270G>A (NM_001407452.1, NM_001407456.1, NM_001407460.1 and 3 more transcripts); c.-61G>A (NM_001407453.1); c.-37G>A (NM_001407457.1, NM_001407458.1, NM_001407448.1 and 1 more transcripts); c.-1305G>A (NM_001407470.1, NM_001407472.1); c.-87G>A (NM_001354897.2, NM_001354902.2, NM_001407446.1).
Identifiers: ClinVar variation 1051495 (VCV001051495.9), dbSNP rs1750590545, ClinGen allele CA1080214947.